The following is an entry in ClinVar:

NM_001267550.2(TTN):c.94633C>T (p.Arg31545Cys)

Genes: TTN (titin; minus strand), TTN-AS1 (TTN antisense RNA 1; plus strand). Cytogenetic location: 2q31.2.
Variant type: single nucleotide variant.
Coding change: c.94633C>T on transcript NM_001267550.2 (MANE Select); coding-DNA position 94633, C replaced by T.
Protein change: p.Arg31545Cys; replaces arginine 31545 with cysteine.
Molecular consequence: missense variant.
Genome position (GRCh38, 1-based): chr2:178,546,795, G>A on the plus strand (C>T on the coding strand, the complement: TTN is on the minus strand). VCF-style: chr2-178546795-G-A. GRCh37 (hg19) VCF-style: chr2-179411522-G-A.
Other names: p.Arg29904Cys; c.89710C>T, p.Arg29904Cys (NM_001256850.1); c.67438C>T, p.Arg22480Cys (NM_003319.4); c.86929C>T, p.Arg28977Cys (NM_133378.4); c.67813C>T, p.Arg22605Cys (NM_133432.3); c.68014C>T, p.Arg22672Cys (NM_133437.4); short protein forms R28977C, R31545C, R22480C, R22605C, R22672C, R29904C.
Identifiers: ClinVar variation 283874 (VCV000283874.50), dbSNP rs202187398, ClinGen allele CA1987088.

ClinVar aggregate classification (germline): Conflicting classifications of pathogenicity. Review status: criteria provided, conflicting classifications (1 of 4 stars). 11 submissions from 11 submitters: Uncertain significance (8); Likely benign (3). Last evaluated 2026-09-06.

Conditions:
TTN-related disorder. Also called: TTN-related disorders; TTN-related condition; TTN-related disease.
Cardiovascular phenotype. Identifiers: MedGen CN230736.
Autosomal recessive limb-girdle muscular dystrophy type 2J (LGMDR10). Also called: Limb-girdle muscular dystrophy, type 2J; MUSCULAR DYSTROPHY, LIMB-GIRDLE, AUTOSOMAL RECESSIVE 10. Identifiers: Orphanet 140922, MedGen C1837342, MONDO:0012127, OMIM 608807.
Dilated cardiomyopathy 1G (CMD1G). Identifiers: Orphanet 154, MedGen C1858763, MONDO:0011400, OMIM 604145.

Allele frequency attached by ClinVar (database versions not stated): ESP Exome Variant Server 0.00008; TOPMed 0.00012; ExAC 0.00017; gnomAD exomes 0.00019; gnomAD 0.00023 and 0.00024.
gnomAD v4.1: 214 of 1,613,510 alleles (0.013%); highest among the groups gnomAD compares: Non-Finnish European, 0.015%; no homozygotes.

Submissions (11):

PreventionGenetics, part of Exact Sciences
Classification: Uncertain significance for TTN-related condition. Last evaluated: 2026-09-06. Review status: criteria provided, single submitter. Criteria: ACMG Guidelines, 2015. Collection method: clinical testing. Allele origin: germline.
Comment: The TTN c.94633C>T variant is predicted to result in the amino acid substitution p.Arg31545Cys. This variant has been reported in an individual with dilated cardiomyopathy (Table S4, Franaszczyk et al. 2017. PubMed ID: 28045975). This variant is reported in 0.068% of alleles in individuals of European (Finnish) descent in gnomAD. Although we suspect that this variant may be benign, at this time, the clinical significance of this variant is uncertain due to the absence of conclusive functional and genetic evidence.

CeGaT Center for Human Genetics Tuebingen
Classification: Uncertain significance. Last evaluated: 2026-04-01. Review status: criteria provided, single submitter. Criteria: CeGaT Center For Human Genetics Tuebingen Variant Classification Criteria Version 2. Collection method: clinical testing. Allele origin: germline. Affected: yes. Observed: 5 variant alleles.
Comment: TTN: PM2

Women's Health and Genetics/Laboratory Corporation of America, LabCorp
Classification: Uncertain significance. Last evaluated: 2026-03-18. Review status: criteria provided, single submitter. Criteria: LabCorp Variant Classification Summary - May 2015. Collection method: clinical testing. Allele origin: germline.
Comment: Variant summary: TTN c.86929C>T (p.Arg28977Cys) results in a non-conservative amino acid change in the encoded protein sequence. Algorithms developed to predict the effect of missense changes on protein structure and function are either unavailable or do not agree on the potential impact of this missense change. The variant allele was found at a frequency of 0.00019 in 247940 control chromosomes. This frequency is not significantly higher than estimated for disease-causing variants in TTN, allowing no conclusion about variant significance. c.86929C>T has been observed in individual(s) affected with DCM without strong evidence for causality (e.g. Franaszczyk_2017) or in a family affected with Familial atrial fibrillation in which the variant was not reported to segregate with disease (e.g. Maltese_2019). These report(s) do not provide unequivocal conclusions about association of the variant with TTN-related conditions. To our knowledge, no experimental evidence demonstrating an impact on protein function has been reported. The following publications have been ascertained in the context of this evaluation (PMID: 28045975, 31539150, 33891011). ClinVar contains an entry for this variant (Variation ID: 283874). Based on the evidence outlined above, the variant was classified as uncertain significance.

Mayo Clinic Laboratories, Mayo Clinic
Classification: Uncertain significance. Last evaluated: 2025-07-01. Review status: criteria provided, single submitter. Criteria: ACMG Guidelines, 2015. Collection method: clinical testing. Allele origin: germline. Observed: 2 variant alleles.
Comment: BS1

ARUP Laboratories, Molecular Genetics and Genomics, ARUP Laboratories
Classification: Uncertain significance. Last evaluated: 2025-02-25. Review status: criteria provided, single submitter. Criteria: ARUP Molecular Germline Variant Investigation Process 2024. Collection method: clinical testing. Allele origin: germline.
Comment: The TTN c.94633C>T; p.Arg31545Cys variant (rs202187398; ClinVar Variation ID: 283874) is rare in the general population (<0.2% allele frequency in the Genome Aggregation Database) and has not been reported in the medical literature in association with dilated cardiomyopathy (DCM) or other TTN-related disease. The clinical relevance of rare missense variants in this gene, which are identified on average once per individual sequenced in affected populations (Herman 2012), is not well understood. Yet, evidence suggests that the vast majority of such missense variants do not contribute to the clinical outcome of DCM (Begay 2015). Thus, the clinical significance of the p.Arg31545Cys variant cannot be determined with certainty. References: Begay RL et al. Role of Titin Missense Variants in Dilated Cardiomyopathy. J Am Heart Assoc. 2015 Nov 13;4(11). PMID: 26567375. Herman DS et al. Truncations of titin causing dilated cardiomyopathy. N Engl J Med. 2012 Feb 16;366(7):619-28. PMID: 22335739.

Blueprint Genetics
Classification: Likely benign. Last evaluated: 2024-09-17. Review status: criteria provided, single submitter. Criteria: ACMG Guidelines, 2015. Collection method: clinical testing. Allele origin: germline.

Revvity Omics, Revvity
Classification: Uncertain significance. Last evaluated: 2023-10-06. Review status: criteria provided, single submitter. Criteria: ACMG Guidelines, 2015. Collection method: clinical testing. Allele origin: germline.

Ambry Genetics
Classification: Likely benign for Cardiovascular phenotype. Last evaluated: 2020-01-17. Review status: criteria provided, single submitter. Criteria: Ambry Variant Classification Scheme 2023. Collection method: clinical testing. Allele origin: germline.

GeneDx
Classification: Likely benign. Last evaluated: 2019-09-12. Review status: criteria provided, single submitter. Criteria: GeneDx Variant Classification Process June 2021. Collection method: clinical testing. Allele origin: germline. Affected: yes.

Labcorp Genetics (formerly Invitae), Labcorp
Classification: Uncertain significance for Dilated cardiomyopathy 1G; Autosomal recessive limb-girdle muscular dystrophy type 2J. Last evaluated: 2017-03-23. Review status: criteria provided, single submitter. Criteria: Invitae Variant Classification Sherloc (09022015). Collection method: clinical testing. Allele origin: germline.

Eurofins Ntd Llc (ga)
Classification: Uncertain significance. Last evaluated: 2017-01-04. Review status: criteria provided, single submitter. Criteria: EGL Classification Definitions 2015. Collection method: clinical testing. Allele origin: germline. Observed: 2 variant alleles, 2 heterozygotes.

Literature cited by the submitters: PubMed 31539150 (cited by Women's Health and Genetics/Laboratory Corporation of America, LabCorp); PubMed 28045975 (cited by Women's Health and Genetics/Laboratory Corporation of America, LabCorp); PubMed 33891011 (cited by Women's Health and Genetics/Laboratory Corporation of America, LabCorp).